The following is an entry in ClinVar:

ClinVar aggregate classification (germline): Likely pathogenic (1 of 4 stars; one submission).

Conditions:
Joubert syndrome 15 (JBTS15). Identifiers: Orphanet 475, MedGen C3280897, MONDO:0013763, OMIM 614464.

Submission:

Labcorp Genetics (formerly Invitae), Labcorp
Classification: Likely pathogenic for Joubert syndrome 15. Last evaluated: 2023-08-14. Review status: criteria provided, single submitter. Criteria: Invitae Variant Classification Sherloc (09022015). Collection method: clinical testing. Allele origin: germline.
Comment: Algorithms developed to predict the effect of sequence changes on RNA splicing suggest that this variant may disrupt the consensus splice site. This sequence change affects an acceptor splice site in intron 2 of the CEP41 gene. It is expected to disrupt RNA splicing. Variants that disrupt the donor or acceptor splice site typically lead to a loss of protein function (PMID: 16199547), and loss-of-function variants in CEP41 are known to be pathogenic (PMID: 22246503). This variant is not present in population databases (gnomAD no frequency). This variant has not been reported in the literature in individuals affected with CEP41-related conditions. In summary, the currently available evidence indicates that the variant is pathogenic, but additional data are needed to prove that conclusively. Therefore, this variant has been classified as Likely Pathogenic.

Literature cited by the submitters: PubMed 16199547; PubMed 22246503.

NM_018718.3(CEP41):c.98-2A>G

Gene: CEP41 (centrosomal protein 41; minus strand). Cytogenetic location: 7q32.2.
Variant type: single nucleotide variant.
Coding change: c.98-2A>G on transcript NM_018718.3 (MANE Select); the canonical splice acceptor site of the intron before coding-DNA position 98, A replaced by G.
Molecular consequence: splice acceptor variant. On other transcripts: intron variant (1).
Genome position (GRCh38, 1-based): chr7:130,416,968, T>C on the plus strand (A>G on the coding strand, the complement: CEP41 is on the minus strand). VCF-style: chr7-130416968-T-C. GRCh37 (hg19) VCF-style: chr7-130056809-T-C.
Other names: c.98-4728A>G (NM_001257159.2); c.98-2A>G (NM_001257158.2).
Identifiers: ClinVar variation 2752461 (VCV002752461.3), dbSNP rs1797356889, ClinGen allele CA369284685.